The following is an entry in ClinVar:

ClinVar aggregate classification (germline): Uncertain significance (1 of 4 stars; one submission).

Conditions:
TSHZ3-related disorder. Also called: TSHZ3-related condition.

gnomAD v4.1: 3 of 1,601,134 alleles (0.00019%); highest among the groups gnomAD compares: Admixed American, 0.0034%; no homozygotes.

Submission:

PreventionGenetics, part of Exact Sciences
Classification: Uncertain significance for TSHZ3-related condition. Last evaluated: 2026-08-10. Review status: criteria provided, single submitter. Criteria: ACMG Guidelines, 2015. Collection method: clinical testing. Allele origin: germline.
Comment: The TSHZ3 c.2251T>C variant is predicted to result in the amino acid substitution p.Phe751Leu. To our knowledge, this variant has not been reported in the literature or in a large population database (gnomAD), indicating this variant is rare. At this time, the clinical significance of this variant is uncertain due to the absence of conclusive functional and genetic evidence.

NM_020856.4(TSHZ3):c.2251T>C (p.Phe751Leu)

Gene: TSHZ3 (teashirt zinc finger homeobox 3; minus strand). Cytogenetic location: 19q12.
Variant type: single nucleotide variant.
Coding change: c.2251T>C on transcript NM_020856.4 (MANE Select); coding-DNA position 2251, T replaced by C.
Protein change: p.Phe751Leu; replaces phenylalanine 751 with leucine.
Molecular consequence: missense variant.
Genome position (GRCh38, 1-based): chr19:31,277,542, A>G on the plus strand (T>C on the coding strand, the complement: TSHZ3 is on the minus strand). VCF-style: chr19-31277542-A-G. GRCh37 (hg19) VCF-style: chr19-31768448-A-G.
Other names: short protein forms F751L.
Identifiers: ClinVar variation 4984168 (VCV004984168.1).